The following is an entry in ClinVar:

NM_014363.6(SACS):c.9791C>G (p.Thr3264Arg)

Gene: SACS (sacsin molecular chaperone; minus strand). Cytogenetic location: 13q12.12.
Variant type: single nucleotide variant.
Coding change: c.9791C>G on transcript NM_014363.6 (MANE Select); coding-DNA position 9791, C replaced by G.
Protein change: p.Thr3264Arg; replaces threonine 3264 with arginine.
Molecular consequence: missense variant.
Genome position (GRCh38, 1-based): chr13:23,334,085, G>C on the plus strand (C>G on the coding strand, the complement: SACS is on the minus strand). VCF-style: chr13-23334085-G-C. GRCh37 (hg19) VCF-style: chr13-23908224-G-C.
Other names: c.9350C>G, p.Thr3117Arg (NM_001278055.2); short protein forms T3117R, T3264R.
Identifiers: ClinVar variation 1326491 (VCV001326491.7), dbSNP rs758563983, ClinGen allele CA6910566.

ClinVar aggregate classification (germline): Conflicting classifications of pathogenicity. Review status: criteria provided, conflicting classifications (1 of 4 stars). 3 submissions from 3 submitters: Uncertain significance (2); Benign (1). Last evaluated 2025-12-16.

Conditions:
Spastic paraplegia. Identifiers: MedGen C0037772, HP:0001258.
Charlevoix-Saguenay spastic ataxia (SACS). Also called: SPASTIC ATAXIA 6, AUTOSOMAL RECESSIVE; AUTOSOMAL RECESSIVE SPASTIC ATAXIA OF CHARLEVOIX-SAGUENAY; Spastic ataxia of Charlevoix-Saguenay. Identifiers: Orphanet 98, MedGen C1849140, MONDO:0010041, OMIM 270550.

Allele frequency attached by ClinVar (database versions not stated): gnomAD 0.00007; TOPMed 0.00009.

Submissions (3):

Labcorp Genetics (formerly Invitae), Labcorp
Classification: Benign for Spastic paraplegia. Last evaluated: 2025-12-16. Review status: criteria provided, single submitter. Criteria: Invitae Variant Classification Sherloc (09022015). Collection method: clinical testing. Allele origin: germline.

Fulgent Genetics
Classification: Uncertain significance for Charlevoix-Saguenay spastic ataxia. Last evaluated: 2021-09-24. Review status: criteria provided, single submitter. Criteria: ACMG Guidelines, 2015. Collection method: clinical testing. Allele origin: unknown.

GeneDx
Classification: Uncertain significance. Last evaluated: 2021-05-26. Review status: criteria provided, single submitter. Criteria: GeneDx Variant Classification Process June 2021. Collection method: clinical testing. Allele origin: germline. Affected: yes.
Comment: Not observed at significant frequency in large population cohorts (Lek et al., 2016); In silico analysis supports that this missense variant does not alter protein structure/function; Has not been previously published as pathogenic or benign to our knowledge